The following is an entry in ClinVar:

NM_014629.4(ARHGEF10):c.1676G>A (p.Gly559Asp)

Gene: ARHGEF10 (Rho guanine nucleotide exchange factor 10; plus strand). Cytogenetic location: 8p23.3.
Variant type: single nucleotide variant.
Coding change: c.1676G>A on transcript NM_014629.4 (MANE Select); coding-DNA position 1676, G replaced by A.
Protein change: p.Gly559Asp; replaces glycine 559 with aspartic acid.
Molecular consequence: missense variant.
Genome position (GRCh38, 1-based): chr8:1,903,306, G>A. VCF-style: chr8-1903306-G-A. GRCh37 (hg19) VCF-style: chr8-1851472-G-A.
Other names: c.1562G>A, p.Gly521Asp (NM_001308152.2); c.1676G>A, p.Gly559Asp (NM_001308153.3); short protein forms G521D, G559D, G583D.
Identifiers: ClinVar variation 1315274 (VCV001315274.3), dbSNP rs2129174354, ClinGen allele CA369960442.

ClinVar aggregate classification (germline): Uncertain significance (1 of 4 stars; one submission).

Submission:

GeneDx
Classification: Uncertain significance. Last evaluated: 2023-11-07. Review status: criteria provided, single submitter. Criteria: GeneDx Variant Classification Process June 2021. Collection method: clinical testing. Allele origin: germline. Affected: yes.
Comment: Not observed in large population cohorts (gnomAD); In silico analysis supports that this missense variant has a deleterious effect on protein structure/function; Has not been previously published as pathogenic or benign to our knowledge